The following is an entry in ClinVar:

NM_000153.4(GALC):c.246A>G (p.Ile82Met)

Gene: GALC (galactosylceramidase; minus strand). Cytogenetic location: 14q31.3.
Variant type: single nucleotide variant.
Coding change: c.246A>G on transcript NM_000153.4 (MANE Select); coding-DNA position 246, A replaced by G.
Protein change: p.Ile82Met; replaces isoleucine 82 with methionine.
Molecular consequence: missense variant. On other transcripts: intron variant (1).
Genome position (GRCh38, 1-based): chr14:87,988,473, T>C on the plus strand (A>G on the coding strand, the complement: GALC is on the minus strand). VCF-style: chr14-87988473-T-C. GRCh37 (hg19) VCF-style: chr14-88454817-T-C.
Other names: c.168A>G, p.Ile56Met (NM_001201402.2); c.196-266A>G (NM_001201401.2); short protein forms I56M, I82M.
Identifiers: ClinVar variation 2137617 (VCV002137617.6), dbSNP rs1887063180, ClinGen allele CA390753357.

ClinVar aggregate classification (germline): Pathogenic. Review status: criteria provided, multiple submitters, no conflicts (2 of 4 stars). 2 submissions from 2 submitters: Pathogenic (2). Last evaluated 2025-07-03.

Conditions:
Galactosylceramide beta-galactosidase deficiency. Also called: Krabbe Disease; GALACTOCEREBROSIDASE DEFICIENCY; GALC DEFICIENCY; GLOBOID CELL LEUKOENCEPHALOPATHY; Leukodystrophy, Globoid Cell. Identifiers: Orphanet 487, MedGen C0023521, MONDO:0009499, OMIM 245200.

Allele frequency attached by ClinVar (database versions not stated): gnomAD exomes below 0.00001.
gnomAD v4.1: 2 of 1,608,306 alleles (0.00012%); highest among the groups gnomAD compares: East Asian, 0.0045%; no homozygotes.

Submissions (2):

Women's Health and Genetics/Laboratory Corporation of America, LabCorp
Classification: Pathogenic for Galactosylceramide beta-galactosidase deficiency. Last evaluated: 2025-07-03. Review status: criteria provided, single submitter. Criteria: LabCorp Variant Classification Summary - May 2015. Collection method: clinical testing. Allele origin: germline.
Comment: Variant summary: GALC c.246A>G (p.Ile82Met) results in a conservative amino acid change in the encoded protein sequence. Algorithms developed to predict the effect of missense changes on protein structure and function are either unavailable or do not agree on the potential impact of this missense change. The variant was absent in 249240 control chromosomes. c.246A>G has been observed in isolation in the homozygous state in at least 1 individual(s) affected with adult onset Krabbe Disease (example, Adachi_2016). It has also been reported in the presumed compound heterozygous state in several individuals with adult onset Krabbe disease in the context of a proposed haplotype p.[Ile82M;Ile305V] (example, Furuya_1997, Xu_2006) however the population and functional data indicate p.Ile305Val to be Benign (ClinVar: 198993, PMID: 27638593, gnomAD). Thus, the individuals with p.[Ile82M;Ile305V] may more accurately be considered to have p.Ile82Met with a benign passenger variant (p.Ile305Val, common to the Japanese/EAS subpopulation with global gnomAD frequency 0.107, which is 48x the maximum pathogenic allele frequency for Krabbe disease (0.0022)). At least one publication reports experimental evidence evaluating an impact on protein function for this variant in isolation. The most pronounced variant effect results in 10%-<30% of normal activity in patient sample(s) (Adachi_2016). When expressed as a haplotype in vitro, p.[Ile82M;Ile305V] had a lower enzymatic activity than either variant expressed alone (example, Hossain_2014), however later experiments showed a wild type level of GALC enzyme activity for p.Ile305Val in isolation (PMID: 27638593), therefore the functional impact of these variants in cis remains unclear. The following publications have been ascertained in the context of this evaluation (PMID: 16607461, 9272171, 24252386, 27617109, 26840509, 10477434, 21876145, 10833326, 14572137, 27638604, 30323943, 25260228, 35654103, 36057781, 36200664, 32186243, 10448809, 33191329, 27442402, 38515343, 24793135, 34869463, 35013804, 30384423, 10464649, 10234611, 26108143, 27638587, 27638593). ClinVar contains an entry for this variant (Variation ID: 2137617). Based on the evidence outlined above, the variant was classified as pathogenic.

Labcorp Genetics (formerly Invitae), Labcorp
Classification: Pathogenic for Galactosylceramide beta-galactosidase deficiency. Last evaluated: 2023-09-21. Review status: criteria provided, single submitter. Criteria: Invitae Variant Classification Sherloc (09022015). Collection method: clinical testing. Allele origin: germline.
Comment: This sequence change replaces isoleucine, which is neutral and non-polar, with methionine, which is neutral and non-polar, at codon 82 of the GALC protein (p.Ile82Met). This missense change has been observed in individual(s) with Krabbe disease (PMID: 16607461, 24252386). In at least one individual the data is consistent with being in trans (on the opposite chromosome) from a pathogenic variant. In the literature, this variant is often reported in cis (on the same chromosome) with the benign variant p.Ile35Val. This variant is not present in population databases (gnomAD no frequency). For these reasons, this variant has been classified as Pathogenic. Advanced modeling of protein sequence and biophysical properties (such as structural, functional, and spatial information, amino acid conservation, physicochemical variation, residue mobility, and thermodynamic stability) performed at Invitae indicates that this missense variant is expected to disrupt GALC protein function. ClinVar contains an entry for this variant (Variation ID: 2137617).

Literature cited by the submitters: PubMed 10234611 (cited by Women's Health and Genetics/Laboratory Corporation of America, LabCorp); PubMed 16607461 (cited by Women's Health and Genetics/Laboratory Corporation of America, LabCorp and Labcorp Genetics (formerly Invitae), Labcorp); PubMed 9272171 (cited by Women's Health and Genetics/Laboratory Corporation of America, LabCorp); PubMed 24252386 (cited by Women's Health and Genetics/Laboratory Corporation of America, LabCorp and Labcorp Genetics (formerly Invitae), Labcorp); PubMed 24793135 (cited by Women's Health and Genetics/Laboratory Corporation of America, LabCorp); PubMed 25260228 (cited by Women's Health and Genetics/Laboratory Corporation of America, LabCorp); PubMed 27638593 (cited by Women's Health and Genetics/Laboratory Corporation of America, LabCorp); PubMed 10833326 (cited by Women's Health and Genetics/Laboratory Corporation of America, LabCorp); PubMed 10477434 (cited by Women's Health and Genetics/Laboratory Corporation of America, LabCorp); PubMed 27442402 (cited by Women's Health and Genetics/Laboratory Corporation of America, LabCorp); PubMed 27617109 (cited by Women's Health and Genetics/Laboratory Corporation of America, LabCorp); PubMed 21876145 (cited by Women's Health and Genetics/Laboratory Corporation of America, LabCorp); PubMed 35013804 (cited by Women's Health and Genetics/Laboratory Corporation of America, LabCorp); PubMed 10464649 (cited by Women's Health and Genetics/Laboratory Corporation of America, LabCorp); PubMed 27638587 (cited by Women's Health and Genetics/Laboratory Corporation of America, LabCorp); PubMed 26108143 (cited by Women's Health and Genetics/Laboratory Corporation of America, LabCorp); PubMed 14572137 (cited by Women's Health and Genetics/Laboratory Corporation of America, LabCorp); PubMed 27638604 (cited by Women's Health and Genetics/Laboratory Corporation of America, LabCorp); PubMed 30323943 (cited by Women's Health and Genetics/Laboratory Corporation of America, LabCorp); PubMed 35654103 (cited by Women's Health and Genetics/Laboratory Corporation of America, LabCorp); PubMed 36200664 (cited by Women's Health and Genetics/Laboratory Corporation of America, LabCorp); PubMed 36057781 (cited by Women's Health and Genetics/Laboratory Corporation of America, LabCorp); PubMed 10448809 (cited by Women's Health and Genetics/Laboratory Corporation of America, LabCorp); PubMed 33191329 (cited by Women's Health and Genetics/Laboratory Corporation of America, LabCorp); PubMed 38515343 (cited by Women's Health and Genetics/Laboratory Corporation of America, LabCorp); PubMed 34869463 (cited by Women's Health and Genetics/Laboratory Corporation of America, LabCorp); PubMed 30384423 (cited by Women's Health and Genetics/Laboratory Corporation of America, LabCorp); PubMed 32186243 (cited by Women's Health and Genetics/Laboratory Corporation of America, LabCorp); PubMed 26840509 (cited by Women's Health and Genetics/Laboratory Corporation of America, LabCorp).